The following is an entry in ClinVar:

NM_004453.4(ETFDH):c.1732C>T (p.Arg578Trp)

Gene: ETFDH (electron transfer flavoprotein dehydrogenase; plus strand). Cytogenetic location: 4q32.1.
Variant type: single nucleotide variant.
Coding change: c.1732C>T on transcript NM_004453.4 (MANE Select); coding-DNA position 1732, C replaced by T.
Protein change: p.Arg578Trp; replaces arginine 578 with tryptophan.
Molecular consequence: missense variant.
Genome position (GRCh38, 1-based): chr4:158,708,405, C>T. VCF-style: chr4-158708405-C-T. GRCh37 (hg19) VCF-style: chr4-159629557-C-T.
Other names: c.1591C>T, p.Arg531Trp (NM_001281737.2); c.1549C>T, p.Arg517Trp (NM_001281738.1); short protein forms R517W, R531W, R578W.
Identifiers: ClinVar variation 901401 (VCV000901401.8), dbSNP rs763912783, ClinGen allele CA3122709.

ClinVar aggregate classification (germline): Uncertain significance. Review status: criteria provided, multiple submitters, no conflicts (2 of 4 stars). 3 submissions from 3 submitters: Uncertain significance (3). Last evaluated 2023-07-26.

Conditions:
Multiple acyl-CoA dehydrogenase deficiency (MADD). Also called: Glutaric aciduria, type 2; Glutaric acidemia type II; GA 2; ETHYLMALONIC-ADIPICACIDURIA; GA II; Glutaric Acidemia type 2. Identifiers: Orphanet 26791, MedGen C0268596, MONDO:0009282, OMIM 231680.

Allele frequency attached by ClinVar (database versions not stated): ExAC 0.00001; gnomAD 0.00002; gnomAD exomes 0.00003; TOPMed 0.00002.
gnomAD v4.1: 44 of 1,611,630 alleles (0.0027%); highest among the groups gnomAD compares: Admixed American, 0.005%; no homozygotes.

Submissions (3):

Women's Health and Genetics/Laboratory Corporation of America, LabCorp
Classification: Uncertain significance. Last evaluated: 2023-07-26. Review status: criteria provided, single submitter. Criteria: LabCorp Variant Classification Summary - May 2015. Collection method: clinical testing. Allele origin: germline.
Comment: Variant summary: ETFDH c.1732C>T (p.Arg578Trp) results in a non-conservative amino acid change located in the 4Fe-4S ferredoxin-type, iron-sulphur binding domain (IPR017896) of the encoded protein sequence. Five of five in-silico tools predict a damaging effect of the variant on protein function. The variant allele was found at a frequency of 3.2e-05 in 251216 control chromosomes (gnomAD). The available data on variant occurrences in the general population are insufficient to allow any conclusion about variant significance. c.1732C>T has been reported in the literature in heterozygous state in an individual affected with late-onset multiple acyl-CoA dehydrogenase deficiency (MADD)/Glutaric Aciduria Type 2c (Behin_2016). This report does not provide unequivocal conclusions about association of the variant with disease. To our knowledge, no experimental evidence demonstrating an impact on protein function has been reported. The following publication has been ascertained in the context of this evaluation (PMID: 27038534). Two submitters have cited clinical-significance assessments for this variant to ClinVar after 2014 and both classified the variant as uncertain significance. Based on the evidence outlined above, the variant was classified as uncertain significance.

Labcorp Genetics (formerly Invitae), Labcorp
Classification: Uncertain significance for Multiple acyl-CoA dehydrogenase deficiency. Last evaluated: 2022-10-17. Review status: criteria provided, single submitter. Criteria: Invitae Variant Classification Sherloc (09022015). Collection method: clinical testing. Allele origin: germline.
Comment: This sequence change replaces arginine, which is basic and polar, with tryptophan, which is neutral and slightly polar, at codon 578 of the ETFDH protein (p.Arg578Trp). This variant is present in population databases (rs763912783, gnomAD 0.006%). This missense change has been observed in individual(s) with multiple acyl-CoA dehydrogenase deficiency (PMID: 27038534). ClinVar contains an entry for this variant (Variation ID: 901401). Advanced modeling of protein sequence and biophysical properties (such as structural, functional, and spatial information, amino acid conservation, physicochemical variation, residue mobility, and thermodynamic stability) performed at Invitae indicates that this missense variant is expected to disrupt ETFDH protein function. In summary, the available evidence is currently insufficient to determine the role of this variant in disease. Therefore, it has been classified as a Variant of Uncertain Significance.

Illumina Laboratory Services, Illumina
Classification: Uncertain significance for Multiple acyl-CoA dehydrogenase deficiency. Last evaluated: 2017-10-08. Review status: criteria provided, single submitter. Criteria: ICSL Variant Classification Criteria 13 December 2019. Collection method: clinical testing. Allele origin: germline.
Comment: This variant was observed as part of a predisposition screen in an ostensibly healthy population. A literature search was performed for the gene, cDNA change, and amino acid change (where applicable). Publications were found based on this search. However, the evidence from the literature, in combination with allele frequency data from public databases where available, was not sufficient to rule this variant in or out of causing disease. Therefore, this variant is classified as a variant of unknown significance.

Literature cited by the submitters: PubMed 27038534 (cited by 3 submitters).